The following is an entry in ClinVar:

ClinVar aggregate classification (germline): Conflicting classifications of pathogenicity. Review status: criteria provided, conflicting classifications (1 of 4 stars). 3 submissions from 3 submitters: Uncertain significance (2); Likely benign (1). Last evaluated 2025-06-19.

Conditions:
Polycystic kidney disease, adult type (PKD1). Also called: POLYCYSTIC KIDNEY DISEASE, ADULT, TYPE I; Polycystic Kidney, Autosomal Dominant; POLYCYSTIC KIDNEY DISEASE 1 WITH OR WITHOUT POLYCYSTIC LIVER DISEASE; Polycystic Kidney Disease 1, Autosomal Dominant; Polycystic kidney disease 1; Polycystic kidney disease 1, severe. Identifiers: MedGen C3149841, MONDO:0008263, OMIM 173900.

Allele frequency attached by ClinVar (database versions not stated): ExAC below 0.00001; TOPMed 0.00016; gnomAD exomes 0.00024.
gnomAD v4.1: 278 of 1,513,270 alleles (0.018%); highest among the groups gnomAD compares: Non-Finnish European, 0.016%; no homozygotes.

Submissions (3):

Women's Health and Genetics/Laboratory Corporation of America, LabCorp
Classification: Uncertain significance. Last evaluated: 2025-06-19. Review status: criteria provided, single submitter. Criteria: LabCorp Variant Classification Summary - May 2015. Collection method: clinical testing. Allele origin: germline.
Comment: Variant summary: PKD1 c.674C>T (p.Ser225Leu) results in a non-conservative amino acid change in the encoded protein sequence. Algorithms developed to predict the effect of missense changes on protein structure and function are either unavailable or do not agree on the potential impact of this missense change. The variant allele was found at a frequency of 0.00024 in 135182 control chromosomes. This frequency is not significantly higher than estimated for a pathogenic variant in PKD1 causing PKD1-Biallelic Autosomal Recessive Polycystic Kidney Disease, allowing no conclusion about variant significance. c.674C>T has been observed in individual(s) affected with PKD1-related conditions (Cornec-LeGall_2013). These report(s) do not provide unequivocal conclusions about association of the variant with PKD1-Biallelic Autosomal Recessive Polycystic Kidney Disease. To our knowledge, no experimental evidence demonstrating an impact on protein function has been reported. The following publications have been ascertained in the context of this evaluation (PMID: 23431072, 32939031). ClinVar contains an entry for this variant (Variation ID: 975074). Based on the evidence outlined above, the variant was classified as uncertain significance.

Blueprint Genetics
Classification: Likely benign. Last evaluated: 2024-11-23. Review status: criteria provided, single submitter. Criteria: ACMG Guidelines, 2015. Collection method: clinical testing. Allele origin: germline.

Victorian Clinical Genetics Services, Murdoch Childrens Research Institute
Classification: Uncertain significance for Polycystic kidney disease, adult type. Last evaluated: 2018-05-23. Review status: criteria provided, single submitter. Criteria: ACMG Guidelines, 2015. Collection method: clinical testing. Allele origin: unknown. Affected: yes.
Comment: A heterozygous missense variant, NM_000296.3(PKD1):c.674C>T, has been identified in exon 5 of 46 of the PKD1 gene. The variant is predicted to result in a major amino acid change from serine to leucine at position 225 of the protein (NP_000287.3(PKD1):p.(Ser225Leu)). The serine residue at this position has low conservation (100 vertebrates, UCSC), and is located within the WSC domain. In silico predictions of pathogenicity for this variant are conflicting (Polyphen, SIFT, CADD, Mutation Taster). The variant is present in the gnomAD database at a frequency of 0.0292%. The variant has been previously described as likely pathogenic in one individual with autosomal dominant polycystic kidney disease, however the evidence for the likely pathogenic classification was not clear (Cornec-Le Gall, E. et al., (2013)). Based on the information available at the time of curation, this variant has been classified as a VARIANT of UNKNOWN SIGNIFICANCE (VUS).

Literature cited by the submitters: PubMed 32939031 (cited by Women's Health and Genetics/Laboratory Corporation of America, LabCorp); PubMed 23431072 (cited by Women's Health and Genetics/Laboratory Corporation of America, LabCorp).

NM_001009944.3(PKD1):c.674C>T (p.Ser225Leu)

Gene: PKD1 (polycystin 1, transient receptor potential channel interacting; minus strand). Cytogenetic location: 16p13.3.
Variant type: single nucleotide variant.
Coding change: c.674C>T on transcript NM_001009944.3 (MANE Select); coding-DNA position 674, C replaced by T.
Protein change: p.Ser225Leu; replaces serine 225 with leucine.
Molecular consequence: missense variant.
Genome position (GRCh38, 1-based): chr16:2,118,318, G>A on the plus strand (C>T on the coding strand, the complement: PKD1 is on the minus strand). VCF-style: chr16-2118318-G-A. GRCh37 (hg19) VCF-style: chr16-2168319-G-A.
Other names: c.674C>T, p.Ser225Leu (NM_000296.4); short protein forms S225L.
Identifiers: ClinVar variation 975074 (VCV000975074.5), dbSNP rs748021456, ClinGen allele CA7833687.
Genomic context (GRCh38, chr16:2,118,318, plus strand): 5'-AGGCAGGCAAAGGAGGCACTGGAGGGCTGGGCCGCCCCACACAGGCACCAGCCCTGCTCC[G>A]AGAGGGCTGCGAGGCCCTGGCCGGTGGAGAAGCAGAAGGCGCTGCAGGCCTCTGGCTGAA-3'
Protein context (NP_001009944.3, residues 215-235): FSTGQGLAAL[Ser225Leu]EQGWCLCGAA